The following is an entry in ClinVar:

ClinVar aggregate classification (germline): Conflicting classifications of pathogenicity. Review status: criteria provided, conflicting classifications (1 of 4 stars). 2 submissions from 2 submitters: Uncertain significance (1); Likely benign (1). Last evaluated 2024-02-11.

Conditions:
Episodic kinesigenic dyskinesia (EKD). Also called: Paroxysmal kinesigenic dyskinesia. Identifiers: Orphanet 98809, MedGen C1868682, MONDO:0044202.

gnomAD v4.1: 2 of 1,613,606 alleles (0.00012%); highest among the groups gnomAD compares: East Asian, 0.0022%; no homozygotes.

Submissions (2):

Labcorp Genetics (formerly Invitae), Labcorp
Classification: Likely benign for Episodic kinesigenic dyskinesia. Last evaluated: 2024-02-11. Review status: criteria provided, single submitter. Criteria: Invitae Variant Classification Sherloc (09022015). Collection method: clinical testing. Allele origin: germline.

GeneDx
Classification: Uncertain significance. Last evaluated: 2023-06-28. Review status: criteria provided, single submitter. Criteria: GeneDx Variant Classification Process June 2021. Collection method: clinical testing. Allele origin: germline. Affected: yes.
Comment: Not observed at significant frequency in large population cohorts (gnomAD); In silico analysis supports that this missense variant does not alter protein structure/function; Has not been previously published as pathogenic or benign to our knowledge

NM_145239.3(PRRT2):c.452C>T (p.Thr151Ile)

Genes: MVP-DT (MVP divergent transcript; minus strand), PRRT2 (proline rich transmembrane protein 2; plus strand). Cytogenetic location: 16p11.2.
Variant type: single nucleotide variant.
Coding change: c.452C>T on transcript NM_145239.3 (MANE Select); coding-DNA position 452, C replaced by T.
Protein change: p.Thr151Ile; replaces threonine 151 with isoleucine.
Molecular consequence: missense variant.
Genome position (GRCh38, 1-based): chr16:29,813,506, C>T. VCF-style: chr16-29813506-C-T. GRCh37 (hg19) VCF-style: chr16-29824827-C-T.
Other names: c.452C>T, p.Thr151Ile (NM_001256442.2, NM_001256443.2); short protein forms T151I.
Identifiers: ClinVar variation 3360192 (VCV003360192.3).